The following is an entry in ClinVar:

ClinVar aggregate classification (germline): Likely benign. Review status: criteria provided, multiple submitters, no conflicts (2 of 4 stars). 5 submissions from 5 submitters: Likely benign (5). Last evaluated 2025-08-21.

Conditions:
Autosomal recessive nonsyndromic hearing loss 16. Also called: DFNB16 Nonsyndromic Hearing Loss and Deafness; DEAFNESS, AUTOSOMAL RECESSIVE 16. Identifiers: Orphanet 90636, MedGen C1863561, MONDO:0011364, OMIM 603720.

Allele frequency attached by ClinVar (database versions not stated): gnomAD exomes 0.00012; gnomAD 0.00014; 1000 Genomes Project 30x 0.00031; ExAC 0.00003.
gnomAD v4.1: 192 of 1,609,782 alleles (0.012%); highest among the groups gnomAD compares: East Asian, 0.036%; 2 homozygotes.

Submissions (5):

Mayo Clinic Laboratories, Mayo Clinic
Classification: Likely benign. Last evaluated: 2025-08-21. Review status: criteria provided, single submitter. Criteria: ACMG Guidelines, 2015. Collection method: clinical testing. Allele origin: germline. Observed: 7 variant alleles.
Comment: BP4, BP7

Athena Diagnostics
Classification: Likely benign. Last evaluated: 2020-07-22. Review status: criteria provided, single submitter. Criteria: Athena Diagnostics Criteria. Collection method: clinical testing. Allele origin: unknown.

Laboratory for Molecular Medicine, Mass General Brigham Personalized Medicine
Classification: Likely benign. Last evaluated: 2015-07-30. Review status: criteria provided, single submitter. Criteria: LMM Criteria. Collection method: clinical testing. Allele origin: germline. Observed: 1 variant allele.
Comment: p.Leu1185Leu in exon 16 of STRC: This variant is not expected to have clinical s ignificance because it does not alter an amino acid residue and is not located w ithin the splice consensus sequence.

Breakthrough Genomics
Classification: Likely benign. Review status: criteria provided, single submitter. Criteria: ACMG Guidelines, 2015. Collection method: not provided. Allele origin: germline. Inheritance: Autosomal recessive inheritance. Affected: yes.

Genome-Nilou Lab
Classification: Likely benign for Autosomal recessive nonsyndromic hearing loss 16. Review status: criteria provided, single submitter. Criteria: ACMG Guidelines, 2015. Collection method: clinical testing. Allele origin: germline.

NM_153700.2(STRC):c.3555G>A (p.Leu1185=)

Gene: STRC (stereocilin; minus strand). Cytogenetic location: 15q15.3.
Variant type: single nucleotide variant.
Coding change: c.3555G>A on transcript NM_153700.2 (MANE Select); coding-DNA position 3555, G replaced by A.
Protein change: p.Leu1185=; no amino-acid change (leucine 1185 retained).
Molecular consequence: synonymous variant.
Genome position (GRCh38, 1-based): chr15:43,609,278, C>T on the plus strand (G>A on the coding strand, the complement: STRC is on the minus strand). VCF-style: chr15-43609278-C-T. GRCh37 (hg19) VCF-style: chr15-43901476-C-T.
Other names: p.Leu1185=.
Identifiers: ClinVar variation 227966 (VCV000227966.9), dbSNP rs2597064, ClinGen allele CA7528314.